The following is an entry in ClinVar:

ClinVar aggregate classification (germline): Uncertain significance (1 of 4 stars; one submission).

Submission:

Ambry Genetics
Classification: Uncertain significance. Last evaluated: 2026-03-07. Review status: criteria provided, single submitter. Criteria: Ambry Variant Classification Scheme 2023. Collection method: clinical testing. Allele origin: germline.
Comment: The p.T2145A variant (also known as c.6433A>G), located in coding exon 27 of the WNK2 gene, results from an A to G substitution at nucleotide position 6433. The threonine at codon 2145 is replaced by alanine, an amino acid with similar properties. This amino acid position is conserved. In addition, this alteration is predicted to be tolerated by in silico analysis. Based on the available evidence, the clinical significance of this variant remains unclear.

NM_006648.4(WNK2):c.6433A>G (p.Thr2145Ala)

Gene: WNK2 (WNK lysine deficient protein kinase 2; plus strand). Cytogenetic location: 9q22.31.
Variant type: single nucleotide variant.
Coding change: c.6433A>G on transcript NM_006648.4 (MANE Select); coding-DNA position 6433, A replaced by G.
Protein change: p.Thr2145Ala; replaces threonine 2145 with alanine.
Molecular consequence: missense variant.
Genome position (GRCh38, 1-based): chr9:93,308,501, A>G. VCF-style: chr9-93308501-A-G. GRCh37 (hg19) VCF-style: chr9-96070783-A-G.
Other names: c.6544A>G, p.Thr2182Ala (NM_001282394.3); short protein forms T2182A, T2145A.
Identifiers: ClinVar variation 4826242 (VCV004826242.1).